The following is an entry in ClinVar:

ClinVar aggregate classification (germline): Uncertain significance (1 of 4 stars; one submission).

gnomAD v4.1: 97 of 1,614,006 alleles (0.006%); highest among the groups gnomAD compares: Non-Finnish European, 0.0017%; no homozygotes.

Submission:

CeGaT Center for Human Genetics Tuebingen
Classification: Uncertain significance. Last evaluated: 2026-03-01. Review status: criteria provided, single submitter. Criteria: CeGaT Center For Human Genetics Tuebingen Variant Classification Criteria Version 2. Collection method: clinical testing. Allele origin: germline. Affected: yes. Observed: 1 variant allele.
Comment: ANK1: PM2

NM_000037.4(ANK1):c.3016C>G (p.Leu1006Val)

Gene: ANK1 (ankyrin 1; minus strand). Cytogenetic location: 8p11.21.
Variant type: single nucleotide variant.
Coding change: c.3016C>G on transcript NM_000037.4 (MANE Select); coding-DNA position 3016, C replaced by G.
Protein change: p.Leu1006Val; replaces leucine 1006 with valine.
Molecular consequence: missense variant.
Genome position (GRCh38, 1-based): chr8:41,695,276, G>C on the plus strand (C>G on the coding strand, the complement: ANK1 is on the minus strand). VCF-style: chr8-41695276-G-C. GRCh37 (hg19) VCF-style: chr8-41552794-G-C.
Other names: c.3139C>G, p.Leu1047Val (NM_001142446.2); c.3016C>G, p.Leu1006Val (NM_020475.3, NM_020476.3, NM_020477.3); short protein forms L1006V, L1047V.
Identifiers: ClinVar variation 4821544 (VCV004821544.4).